The following is an entry in ClinVar:

ClinVar aggregate classification (germline): Uncertain significance (1 of 4 stars; one submission).

Conditions:
Muscular dystrophy-dystroglycanopathy (congenital with brain and eye anomalies), type a, 11 (MDDGA11). Also called: WALKER-WARBURG SYNDROME OR MUSCLE-EYE-BRAIN DISEASE, B3GALNT2-RELATED; Muscular dystrophy-dystroglycanopathy (congenital with brain and eye anomalies, type A, 11; Congenital muscular dystrophy-dystroglycanopathy with brain and eye anomalies, type A11. Identifiers: Orphanet 588, Orphanet 899, MedGen C3554638, MONDO:0014071, OMIM 615181.

Submission:

Labcorp Genetics (formerly Invitae), Labcorp
Classification: Uncertain significance for Muscular dystrophy-dystroglycanopathy (congenital with brain and eye anomalies), type a, 11. Last evaluated: 2022-05-31. Review status: criteria provided, single submitter. Criteria: Invitae Variant Classification Sherloc (09022015). Collection method: clinical testing. Allele origin: germline.
Comment: This sequence change replaces aspartic acid, which is acidic and polar, with histidine, which is basic and polar, at codon 357 of the B3GALNT2 protein (p.Asp357His). This variant is not present in population databases (gnomAD no frequency). This variant has not been reported in the literature in individuals affected with B3GALNT2-related conditions. Algorithms developed to predict the effect of missense changes on protein structure and function are either unavailable or do not agree on the potential impact of this missense change (SIFT: "Deleterious"; PolyPhen-2: "Probably Damaging"; Align-GVGD: "Class C0"). In summary, the available evidence is currently insufficient to determine the role of this variant in disease. Therefore, it has been classified as a Variant of Uncertain Significance.

NM_152490.5(B3GALNT2):c.1069G>C (p.Asp357His)

Gene: B3GALNT2 (beta-1,3-N-acetylgalactosaminyltransferase 2; minus strand). Cytogenetic location: 1q42.3.
Variant type: single nucleotide variant.
Coding change: c.1069G>C on transcript NM_152490.5 (MANE Select); coding-DNA position 1069, G replaced by C.
Protein change: p.Asp357His; replaces aspartic acid 357 with histidine.
Molecular consequence: missense variant.
Genome position (GRCh38, 1-based): chr1:235,455,641, C>G on the plus strand (G>C on the coding strand, the complement: B3GALNT2 is on the minus strand). VCF-style: chr1-235455641-C-G. GRCh37 (hg19) VCF-style: chr1-235618953-C-G.
Other names: short protein forms D357H.
Identifiers: ClinVar variation 2113653 (VCV002113653.4), dbSNP rs138443370, ClinGen allele CA344958036.